The following is an entry in ClinVar:

NM_005744.5(ARIH1):c.106G>T (p.Asp36Tyr)

Gene: ARIH1 (ariadne RBR E3 ubiquitin protein ligase 1; plus strand). Cytogenetic location: 15q24.1.
Variant type: single nucleotide variant.
Coding change: c.106G>T on transcript NM_005744.5 (MANE Select); coding-DNA position 106, G replaced by T.
Protein change: p.Asp36Tyr; replaces aspartic acid 36 with tyrosine.
Molecular consequence: missense variant.
Genome position (GRCh38, 1-based): chr15:72,474,745, G>T. VCF-style: chr15-72474745-G-T. GRCh37 (hg19) VCF-style: chr15-72767086-G-T.
Other names: short protein forms D36Y.
Identifiers: ClinVar variation 2826353 (VCV002826353.3), dbSNP rs2542669367, ClinGen allele CA393236543.

ClinVar aggregate classification (germline): Uncertain significance (1 of 4 stars; one submission).

Submission:

Labcorp Genetics (formerly Invitae), Labcorp
Classification: Uncertain significance. Last evaluated: 2023-01-05. Review status: criteria provided, single submitter. Criteria: Invitae Variant Classification Sherloc (09022015). Collection method: clinical testing. Allele origin: germline.
Comment: In summary, the available evidence is currently insufficient to determine the role of this variant in disease. Therefore, it has been classified as a Variant of Uncertain Significance. Algorithms developed to predict the effect of missense changes on protein structure and function are either unavailable or do not agree on the potential impact of this missense change (SIFT: "Deleterious"; PolyPhen-2: "Not Available"; Align-GVGD: "Class C0"). This variant has not been reported in the literature in individuals affected with ARIH1-related conditions. This variant is not present in population databases (gnomAD no frequency). This sequence change replaces aspartic acid, which is acidic and polar, with tyrosine, which is neutral and polar, at codon 36 of the ARIH1 protein (p.Asp36Tyr).